The following is an entry in ClinVar:

NM_000477.7(ALB):c.1573G>A (p.Glu525Lys)

Gene: ALB (albumin; plus strand). Cytogenetic location: 4q13.3.
Variant type: single nucleotide variant.
Coding change: c.1573G>A on transcript NM_000477.7 (MANE Select); coding-DNA position 1573, G replaced by A.
Protein change: p.Glu525Lys; replaces glutamic acid 525 with lysine.
Molecular consequence: missense variant.
Genome position (GRCh38, 1-based): chr4:73,418,232, G>A. VCF-style: chr4-73418232-G-A. GRCh37 (hg19) VCF-style: chr4-74283949-G-A.
Other names: E501K; short protein forms E525K.
Identifiers: ClinVar variation 18202 (VCV000018202.3), dbSNP rs75523493, ClinGen allele CA127912.
Genomic context (GRCh38, chr4:73,418,232, plus strand): 5'-TTGGTGAACAGGCGACCATGCTTTTCAGCTCTGGAAGTCGATGAAACATACGTTCCCAAA[G>A]AGTTTAATGCTGAAACATTCACCTTCCATGCAGATATATGCACACTTTCTGAGAAGGAGA-3'
Protein context (NP_000468.1, residues 515-535): LEVDETYVPK[Glu525Lys]FNAETFTFHA

ClinVar aggregate classification (germline): Uncertain significance. Review status: criteria provided, single submitter (1 of 4 stars). 2 submissions from 2 submitters: Uncertain significance (1). 1 of the submissions does not count toward it. Last evaluated 2024-05-07.

Conditions:
ALBUMIN VANCOUVER.

Allele frequency attached by ClinVar (database versions not stated): gnomAD below 0.00001 and 0.00001; TOPMed below 0.00001; ExAC 0.00012; gnomAD exomes 0.00014.
gnomAD v4.1: 106 of 1,613,994 alleles (0.0066%); highest among the groups gnomAD compares: South Asian, 0.12%; 2 homozygotes.

Submissions (2):

Labcorp Genetics (formerly Invitae), Labcorp
Classification: Uncertain significance. Last evaluated: 2024-05-07. Review status: criteria provided, single submitter. Criteria: Invitae Variant Classification Sherloc (09022015). Collection method: clinical testing. Allele origin: germline.
Comment: This sequence change replaces glutamic acid, which is acidic and polar, with lysine, which is basic and polar, at codon 525 of the ALB protein (p.Glu525Lys). This variant is present in population databases (rs75523493, gnomAD 0.1%). This variant has not been reported in the literature in individuals affected with ALB-related conditions. ClinVar contains an entry for this variant (Variation ID: 18202). Advanced modeling of protein sequence and biophysical properties (such as structural, functional, and spatial information, amino acid conservation, physicochemical variation, residue mobility, and thermodynamic stability) performed at Invitae indicates that this missense variant is not expected to disrupt ALB protein function with a negative predictive value of 80%. In summary, the available evidence is currently insufficient to determine the role of this variant in disease. Therefore, it has been classified as a Variant of Uncertain Significance.

OMIM
Classification: other for ALBUMIN VANCOUVER. Last evaluated: 2012-06-06. Review status: no assertion criteria provided. Collection method: literature only. Allele origin: germline. Not counted in ClinVar's aggregate classification.

Literature cited by the submitters: PubMed 6933567 (cited by OMIM); PubMed 2901102 (cited by OMIM).